The following is an entry in ClinVar:

ClinVar aggregate classification (germline): Pathogenic. Review status: criteria provided, multiple submitters, no conflicts (2 of 4 stars). 12 submissions from 12 submitters: Pathogenic (9). 3 of the submissions do not count toward it. Last evaluated 2024-08-04.

Conditions:
CASR-related disorder. Also called: CASR-related condition.
Autosomal dominant hypocalcemia. Identifiers: Orphanet 428, MedGen C4048195, MONDO:0018543.
Nephrolithiasis/nephrocalcinosis. Identifiers: MedGen CN580796.
Familial hypocalciuric hypercalcemia (FHH). Also called: Familial benign hypercalcemia. Identifiers: Orphanet 405, MedGen C1809471, MONDO:0018458.
Autosomal dominant hypocalcemia 1 (HYPOC1). Also called: HYPOCALCEMIA, FAMILIAL. Identifiers: MedGen C3715128, MONDO:0011013, OMIM 601198.
Epilepsy, idiopathic generalized, susceptibility to, 8. Identifiers: MedGen C2752062, MONDO:0013032, OMIM 612899.
Familial hypocalciuric hypercalcemia 1. Also called: Hypercalcemia, familial benign type 1. Identifiers: Orphanet 405, Orphanet 93372, MedGen C0342637, MONDO:0007791, OMIM 145980.
Neonatal severe primary hyperparathyroidism. Identifiers: Orphanet 417, MedGen C1832615, MONDO:0009397, OMIM 239200.

Submissions (12):

Labcorp Genetics (formerly Invitae), Labcorp
Classification: Pathogenic for Familial hypocalciuric hypercalcemia; Autosomal dominant hypocalcemia 1. Last evaluated: 2024-08-04. Review status: criteria provided, single submitter. Criteria: Invitae Variant Classification Sherloc (09022015). Collection method: clinical testing. Allele origin: germline.
Comment: This sequence change replaces glutamic acid, which is acidic and polar, with lysine, which is basic and polar, at codon 604 of the CASR protein (p.Glu604Lys). This variant is not present in population databases (gnomAD no frequency). This missense change has been observed in individual(s) with hypocalcemia and/or hypoparathyroidism (PMID: 12574188, 14519094, 24948345). It has also been observed to segregate with disease in related individuals. ClinVar contains an entry for this variant (Variation ID: 8350). An algorithm developed to predict the effect of missense changes on protein structure and function (PolyPhen-2) suggests that this variant is likely to be disruptive. Experimental studies have shown that this missense change affects CASR function (PMID: 12574188). For these reasons, this variant has been classified as Pathogenic.

Blueprint Genetics
Classification: Pathogenic for CASR-related disorders. Last evaluated: 2024-07-15. Review status: criteria provided, single submitter. Criteria: ACMG Guidelines, 2015. Collection method: clinical testing. Allele origin: germline. Affected: yes. Observed: 1 variant allele.

Fulgent Genetics
Classification: Pathogenic for Familial hypocalciuric hypercalcemia 1; Neonatal severe primary hyperparathyroidism; Autosomal dominant hypocalcemia 1; Epilepsy, idiopathic generalized, susceptibility to, 8. Last evaluated: 2024-05-06. Review status: criteria provided, single submitter. Criteria: ACMG Guidelines, 2015. Collection method: clinical testing. Allele origin: germline.

Ambry Genetics
Classification: Pathogenic for Nephrolithiasis/nephrocalcinosis. Last evaluated: 2023-09-11. Review status: criteria provided, single submitter. Criteria: Ambry Variant Classification Scheme 2023. Collection method: clinical testing. Allele origin: germline.
Comment: The c.1810G>A (p.E604K) alteration is located in exon 7 (coding exon 6) of the CASR gene. This alteration results from a G to A substitution at nucleotide position 1810, causing the glutamic acid (E) at amino acid position 604 to be replaced by a lysine (K). Based on the available evidence, the CASR c.1810G>A (p.E604K) alteration is classified as pathogenic for autosomal dominant CASR-related hypocalcemia; however, it is unlikely to be causative of autosomal recessive neonatal hyperparathyroidism and autosomal dominant hypocalciuric hypercalcemia. This variant was not reported in population-based cohorts in the Genome Aggregation Database (gnomAD). This variant has been detected in the heterozygous state in multiple individuals with CASR-related hypocalcemia and cosegregates with disease in several families (Ovejero, 2019; Winer, 2018; Hannan, 2012; Tan, 2003; Alvarez-Hern&aacute;ndez, 2003). In addition, this variant has been determined to be the result of a de novo mutation in one individual with features consistent with CASR-related hypocalcemia (Qin, 2022). This amino acid position is highly conserved in available vertebrate species. In vitro functional studies showed that this variant increases the sensitivity to extracellular calcium (Tan, 2003; Cavaco, 2018). This alteration is predicted to be deleterious by in silico analysis. Based on the available evidence, this alteration is classified as pathogenic.

Women's Health and Genetics/Laboratory Corporation of America, LabCorp
Classification: Pathogenic for Autosomal dominant hypocalcemia. Last evaluated: 2021-12-01. Review status: criteria provided, single submitter. Criteria: LabCorp Variant Classification Summary - May 2015. Collection method: clinical testing. Allele origin: germline.
Comment: Variant summary: CASR c.1810G>A (p.Glu604Lys) results in a non-conservative amino acid change in the encoded protein sequence. Four of five in-silico tools predict a damaging effect of the variant on protein function. The variant was absent in 251472 control chromosomes. c.1810G>A has been reported in the literature in multiple individuals affected with Autosomal Dominant Hypocalcemia, including 2 families where the variant segregated with the disease (Tan_2003, Alvarez-Hernandez_2003). These data indicate that the variant is very likely to be associated with disease. To our knowledge, least one publication reports experimental evidence evaluating an impact on protein function. The most pronounced variant effect results in approximately 60% of normal activity. Three ClinVar submitters have classified this variant (after 2014) as pathogenic . Based on the evidence outlined above, the variant was classified as pathogenic.

Athena Diagnostics
Classification: Pathogenic. Last evaluated: 2021-07-22. Review status: criteria provided, single submitter. Criteria: Athena Diagnostics Criteria. Collection method: clinical testing. Allele origin: unknown.
Comment: This variant has not been reported in large, multi-ethnic general populations. This variant appears to segregate with disease in at least one family. Assessment of experimental evidence suggests this variant results in abnormal protein function. This variant decreased the response of the receptor to calcium (PMID: 12574188).

Genetic Services Laboratory, University of Chicago
Classification: Pathogenic. Last evaluated: 2020-06-22. Review status: criteria provided, single submitter. Criteria: ACMG Guidelines, 2015. Collection method: clinical testing. Allele origin: germline. Affected: yes.
Comment: DNA sequence analysis of the CASR gene demonstrated a sequence change, c.1810G>A, in exon 7 that results in an amino acid change, p.Glu604Lys. This sequence change has not been described in the large population databases such as ExAC and gnomAD (dbSNP rs104893712). This sequence change has previously been described in families with autosomal dominant hypocalcemia (PMID: 12574188) and hypoparathyroidism (PMIDs: 14519094,24948345). The p.Glu604Lys change affects a highly conserved amino acid residue located in a cysteine-rich domain of the extracellular head (PMID: 17039419, 14519094) and is classified as an activating mutation. Functional studies have suggested that this variant significantly increases the extracellular Ca2+ sensitivity of the receptor in vivo (PMID: 12574188). The p.Glu604Lys substitution appears to be deleterious using several in-silico pathogenicity prediction tools (SIFT, PolyPhen2, Align GVGD, REVEL). These collective evidences indicate that this sequence change is pathogenic.

GeneDx
Classification: Pathogenic. Last evaluated: 2015-08-25. Review status: criteria provided, single submitter. Criteria: GeneDx Variant Classification (06012015). Collection method: clinical testing. Allele origin: germline. Affected: yes.
Comment: The E604K missense variant in the CASR gene has been reported previously in autosomal dominant hypocalcemia (Tan et al., 2003; Alvarez-HernÃ¡ndez et al., 2003; Winer et al., 2014). E604K is a non-conservative amino acid substitution as a negatively charged Glutamic Acid residue is replaced with a positively charged Lysine residue. In vivo functional studies have shown that E604K is an activating variant, enhancing the receptor's extracellular calcium sensitivity (Tan et al., 2003). Therefore, we interpret E604K as a pathogenic variant.

Juno Genomics, Hangzhou Juno Genomics, Inc
Classification: Pathogenic for Epilepsy, idiopathic generalized, susceptibility to, 8; Neonatal severe primary hyperparathyroidism; Autosomal dominant hypocalcemia 1; Familial hypocalciuric hypercalcemia 1. Review status: criteria provided, single submitter. Criteria: ACMG Guidelines, 2015. Collection method: clinical testing. Allele origin: germline.
Comment: Absent from controls (or at extremely low frequency if recessive) in Genome Aggregation Database.;Well-established in vitro or in vivo functional studies supportive of a damaging effect on the gene or gene product.;Missense variant in a gene that has a low rate of benign missense variation.;The prevalence of the variant in affected individuals is significantly increased compared to the prevalence in controls.;Co-segregation with disease in multiple affected family members.;Patient's phenotype or family history is highly specific for a disease with a single genetic etiology.

PreventionGenetics, part of Exact Sciences
Classification: Pathogenic for CASR-related condition. Last evaluated: 2023-12-19. Review status: no assertion criteria provided. Collection method: clinical testing. Allele origin: germline. Not counted in ClinVar's aggregate classification.
Comment: The CASR c.1840G>A variant is predicted to result in the amino acid substitution p.Glu614Lys. This variant was reported to cause autosomal dominant hypocalcemia (reported as E604K in Tan et al. 2003. PubMed ID: 12574188; Hannan FM et al 2012. PubMed ID: 22422767). This variant was also reported in two patients with hypoparathyroidism (also reported as E604K in Patients G and H in Winer et al. 2014. PubMed ID: 24948345). In the Tan et al. study, this variant co-segregated with disease in a family, and functional studies showed that the p.Glu614Lys change enhances the extracellular Ca2+ sensitivity of the calcium-sensing receptor (CaR). This variant has not been reported in a large population database, indicating it is rare. This variant is interpreted as pathogenic.

Bioscientia Institut fuer Medizinische Diagnostik GmbH, Sonic Healthcare
Classification: Pathogenic for Autosomal dominant hypocalcemia 1. Last evaluated: 2020-07-02. Review status: no assertion criteria provided. Collection method: clinical testing. Allele origin: germline. Affected: yes. Not counted in ClinVar's aggregate classification.

OMIM
Classification: Pathogenic for HYPOCALCEMIA, AUTOSOMAL DOMINANT 1. Last evaluated: 2003-02-01. Review status: no assertion criteria provided. Collection method: literature only. Allele origin: germline. Not counted in ClinVar's aggregate classification.

Literature cited by the submitters: PubMed 12574188 (cited by 5 submitters); PubMed 14519094 (cited by 4 submitters); PubMed 24948345 (cited by Labcorp Genetics (formerly Invitae), Labcorp and Athena Diagnostics); PubMed 22422767 (cited by Ambry Genetics and Women's Health and Genetics/Laboratory Corporation of America, LabCorp); PubMed 29846619 (cited by Ambry Genetics); PubMed 30470382 (cited by Ambry Genetics); PubMed 30496603 (cited by Ambry Genetics); PubMed 34913197 (cited by Ambry Genetics); PubMed 19179454 (cited by Women's Health and Genetics/Laboratory Corporation of America, LabCorp); PubMed 24823460 (cited by Athena Diagnostics); PubMed 17039419 (cited by Athena Diagnostics).

NM_000388.4(CASR):c.1810G>A (p.Glu604Lys)

Gene: CASR (calcium sensing receptor; plus strand). Cytogenetic location: 3q21.1.
Variant type: single nucleotide variant.
Coding change: c.1810G>A on transcript NM_000388.4 (MANE Select); coding-DNA position 1810, G replaced by A.
Protein change: p.Glu604Lys; replaces glutamic acid 604 with lysine.
Molecular consequence: missense variant.
Genome position (GRCh38, 1-based): chr3:122,283,764, G>A. VCF-style: chr3-122283764-G-A. GRCh37 (hg19) VCF-style: chr3-122002611-G-A.
Other names: c.1840G>A (NM_001178065.1); c.1840G>A, p.Glu614Lys (NM_001178065.2); short protein forms E604K, E614K.
Identifiers: ClinVar variation 8350 (VCV000008350.26), dbSNP rs104893712, ClinGen allele CA119533.